The following is an entry in ClinVar:

NM_001378452.1(ITPR1):c.2183G>A (p.Arg728Gln)

Gene: ITPR1 (inositol 1,4,5-trisphosphate receptor type 1; plus strand). Cytogenetic location: 3p26.1.
Variant type: single nucleotide variant.
Coding change: c.2183G>A on transcript NM_001378452.1 (MANE Select); coding-DNA position 2183, G replaced by A.
Protein change: p.Arg728Gln; replaces arginine 728 with glutamine.
Molecular consequence: missense variant.
Genome position (GRCh38, 1-based): chr3:4,670,905, G>A. VCF-style: chr3-4670905-G-A. GRCh37 (hg19) VCF-style: chr3-4712589-G-A.
Other names: c.2183G>A, p.Arg728Gln (NM_001099952.4); c.2138G>A, p.Arg713Gln (NM_001168272.2, NM_002222.7); short protein forms R713Q, R728Q.
Identifiers: ClinVar variation 1722777 (VCV001722777.3), dbSNP rs749075418, ClinGen allele CA2231355.

ClinVar aggregate classification (germline): Uncertain significance. Review status: criteria provided, multiple submitters, no conflicts (2 of 4 stars). 2 submissions from 2 submitters: Uncertain significance (2). Last evaluated 2026-06-29.

Conditions:
Inborn genetic diseases. Identifiers: MedGen C0950123, MeSH D030342.

Allele frequency attached by ClinVar (database versions not stated): gnomAD exomes 0.00004; gnomAD 0.00001; ExAC 0.00005.
gnomAD v4.1: 52 of 1,593,780 alleles (0.0033%); highest among the groups gnomAD compares: South Asian, 0.039%; no homozygotes.

Submissions (2):

Ambry Genetics
Classification: Uncertain significance for Inborn genetic diseases. Last evaluated: 2026-06-29. Review status: criteria provided, single submitter. Criteria: Ambry Variant Classification Scheme 2023. Collection method: clinical testing. Allele origin: germline.

GeneDx
Classification: Uncertain significance. Last evaluated: 2022-05-02. Review status: criteria provided, single submitter. Criteria: GeneDx Variant Classification Process June 2021. Collection method: clinical testing. Allele origin: germline. Affected: yes.
Comment: In silico analysis supports that this missense variant does not alter protein structure/function; Has not been previously published as pathogenic or benign to our knowledge